The following is an entry in ClinVar:

NM_001005373.4(LRSAM1):c.175-2A>T

Gene: LRSAM1 (leucine rich repeat and sterile alpha motif containing 1; plus strand). Cytogenetic location: 9q33.3.
Variant type: single nucleotide variant.
Coding change: c.175-2A>T on transcript NM_001005373.4 (MANE Select); the canonical splice acceptor site of the intron before coding-DNA position 175, A replaced by T.
Molecular consequence: splice acceptor variant.
Genome position (GRCh38, 1-based): chr9:127,457,314, A>T. VCF-style: chr9-127457314-A-T. GRCh37 (hg19) VCF-style: chr9-130219593-A-T.
Other names: c.175-2A>T (NM_138361.5, NM_001384142.1, NM_001384143.1 and 2 more transcripts); c.-610-2A>T (NM_001384144.1).
Identifiers: ClinVar variation 931367 (VCV000931367.6), dbSNP rs1035054313, ClinGen allele CA199851673.

ClinVar aggregate classification (germline): Conflicting classifications of pathogenicity. Review status: criteria provided, conflicting classifications (1 of 4 stars). 2 submissions from 2 submitters: Likely pathogenic (1); Uncertain significance (1). Last evaluated 2024-02-22.

Conditions:
Charcot-Marie-Tooth disease axonal type 2P. Also called: CHARCOT-MARIE-TOOTH DISEASE, AXONAL, TYPE 2G; CMT 2G; CHARCOT-MARIE-TOOTH NEUROPATHY, TYPE 2P; Charcot-Marie-Tooth Neuropathy Type 2G. Identifiers: Orphanet 300319, Orphanet 99941, MedGen C3280797, MONDO:0013753, OMIM 614436.

Allele frequency attached by ClinVar (database versions not stated): gnomAD exomes below 0.00001; TOPMed below 0.00001.
gnomAD v4.1: 5 of 1,614,064 alleles (0.00031%); highest among the groups gnomAD compares: Non-Finnish European, 0.00042%; 1 homozygote.

Submissions (2):

Labcorp Genetics (formerly Invitae), Labcorp
Classification: Likely pathogenic for Charcot-Marie-Tooth disease axonal type 2P. Last evaluated: 2024-02-22. Review status: criteria provided, single submitter. Criteria: Invitae Variant Classification Sherloc (09022015). Collection method: clinical testing. Allele origin: germline.
Comment: This sequence change affects an acceptor splice site in intron 4 of the LRSAM1 gene. It is expected to disrupt RNA splicing. Variants that disrupt the donor or acceptor splice site typically lead to a loss of protein function (PMID: 16199547), and loss-of-function variants in LRSAM1 are known to be pathogenic (PMID: 20865121, 33414056). This variant is not present in population databases (gnomAD no frequency). This variant has not been reported in the literature in individuals affected with LRSAM1-related conditions. ClinVar contains an entry for this variant (Variation ID: 931367). Algorithms developed to predict the effect of sequence changes on RNA splicing suggest that this variant may disrupt the consensus splice site. In summary, the currently available evidence indicates that the variant is pathogenic, but additional data are needed to prove that conclusively. Therefore, this variant has been classified as Likely Pathogenic.

Centre for Mendelian Genomics, University Medical Centre Ljubljana
Classification: Uncertain significance for Charcot-Marie-Tooth disease axonal type 2P. Last evaluated: 2019-10-22. Review status: criteria provided, single submitter. Criteria: ACMG Guidelines, 2015. Collection method: clinical testing. Allele origin: unknown. Affected: yes.
Comment: This variant was classified as: Uncertain significance. The available evidence on this variant's pathogenicity is insufficient or conflicting. The following ACMG criteria were applied in classifying this variant: PM2,PP3.

Literature cited by the submitters: PubMed 16199547 (cited by Labcorp Genetics (formerly Invitae), Labcorp); PubMed 20865121 (cited by Labcorp Genetics (formerly Invitae), Labcorp); PubMed 33414056 (cited by Labcorp Genetics (formerly Invitae), Labcorp).